The following is an entry in ClinVar:

ClinVar aggregate classification (germline): Uncertain significance. Review status: criteria provided, multiple submitters, no conflicts (2 of 4 stars). 2 submissions from 2 submitters: Uncertain significance (2). Last evaluated 2024-11-13.

Conditions:
Inborn genetic diseases. Identifiers: MedGen C0950123, MeSH D030342.

Allele frequency attached by ClinVar (database versions not stated): ExAC 0.00001; gnomAD exomes 0.00005; TOPMed 0.00006; gnomAD 0.00007; ESP Exome Variant Server 0.00008.
gnomAD v4.1: 86 of 1,612,368 alleles (0.0053%); highest among the groups gnomAD compares: Middle Eastern, 0.033%; no homozygotes.

Submissions (2):

Ambry Genetics
Classification: Uncertain significance for Inborn genetic diseases. Last evaluated: 2024-11-13. Review status: criteria provided, single submitter. Criteria: Ambry Variant Classification Scheme 2023. Collection method: clinical testing. Allele origin: germline.

Labcorp Genetics (formerly Invitae), Labcorp
Classification: Uncertain significance. Last evaluated: 2022-08-03. Review status: criteria provided, single submitter. Criteria: Invitae Variant Classification Sherloc (09022015). Collection method: clinical testing. Allele origin: germline.
Comment: This sequence change replaces aspartic acid, which is acidic and polar, with asparagine, which is neutral and polar, at codon 728 of the RTTN protein (p.Asp728Asn). This variant is present in population databases (rs375149092, gnomAD 0.03%). This variant has not been reported in the literature in individuals affected with RTTN-related conditions. Algorithms developed to predict the effect of missense changes on protein structure and function are either unavailable or do not agree on the potential impact of this missense change (SIFT: "Tolerated"; PolyPhen-2: "Probably Damaging"; Align-GVGD: "Class C0"). In summary, the available evidence is currently insufficient to determine the role of this variant in disease. Therefore, it has been classified as a Variant of Uncertain Significance.

NM_173630.4(RTTN):c.2182G>A (p.Asp728Asn)

Gene: RTTN (rotatin; minus strand). Cytogenetic location: 18q22.2.
Variant type: single nucleotide variant.
Coding change: c.2182G>A on transcript NM_173630.4 (MANE Select); coding-DNA position 2182, G replaced by A.
Protein change: p.Asp728Asn; replaces aspartic acid 728 with asparagine.
Molecular consequence: missense variant. On other transcripts: 5 prime UTR variant (1).
Genome position (GRCh38, 1-based): chr18:70,149,028, C>T on the plus strand (G>A on the coding strand, the complement: RTTN is on the minus strand). VCF-style: chr18-70149028-C-T. GRCh37 (hg19) VCF-style: chr18-67816264-C-T.
Other names: c.-466G>A (NM_001318520.2); c.2182G>A (NM_173630.3); short protein forms D728N.
Identifiers: ClinVar variation 2177303 (VCV002177303.2), dbSNP rs375149092, ClinGen allele CA8995951.